The following is an entry in ClinVar:

ClinVar aggregate classification (germline): Likely benign (1 of 4 stars; one submission).

Allele frequency attached by ClinVar (database versions not stated): 1000 Genomes Project 30x 0.00250; 1000 Genomes Project 0.00280; TOPMed 0.00424; gnomAD 0.00431; ExAC 0.00453; ESP Exome Variant Server 0.00523; gnomAD exomes 0.00610.
gnomAD v4.1: 9,558 of 1,614,248 alleles (0.59%); highest among the groups gnomAD compares: Non-Finnish European, 0.73%; 44 homozygotes.

Submission:

CeGaT Center for Human Genetics Tuebingen
Classification: Likely benign. Last evaluated: 2025-04-01. Review status: criteria provided, single submitter. Criteria: CeGaT Center For Human Genetics Tuebingen Variant Classification Criteria Version 2. Collection method: clinical testing. Allele origin: germline. Affected: yes. Observed: 3 variant alleles.
Comment: SEMA6C: BP4, BS2

NM_030913.6(SEMA6C):c.619C>T (p.Pro207Ser)

Gene: SEMA6C (semaphorin 6C; minus strand). Cytogenetic location: 1q21.3.
Variant type: single nucleotide variant.
Coding change: c.619C>T on transcript NM_030913.6 (MANE Select); coding-DNA position 619, C replaced by T.
Protein change: p.Pro207Ser; replaces proline 207 with serine.
Molecular consequence: missense variant. On other transcripts: intron variant (1).
Genome position (GRCh38, 1-based): chr1:151,138,034, G>A on the plus strand (C>T on the coding strand, the complement: SEMA6C is on the minus strand). VCF-style: chr1-151138034-G-A. GRCh37 (hg19) VCF-style: chr1-151110510-G-A.
Other names: c.619C>T, p.Pro207Ser (NM_001178061.3); c.548-235C>T (NM_001178062.3); short protein forms P207S.
Identifiers: ClinVar variation 2639168 (VCV002639168.24), dbSNP rs139583127, ClinGen allele CA1085711.